The following is an entry in ClinVar:

NM_170601.5(SIAE):c.338A>G (p.His113Arg)

Gene: SIAE (sialic acid acetylesterase; minus strand). Cytogenetic location: 11q24.2.
Variant type: single nucleotide variant.
Coding change: c.338A>G on transcript NM_170601.5 (MANE Select); coding-DNA position 338, A replaced by G.
Protein change: p.His113Arg; replaces histidine 113 with arginine.
Molecular consequence: missense variant.
Genome position (GRCh38, 1-based): chr11:124,660,695, T>C on the plus strand (A>G on the coding strand, the complement: SIAE is on the minus strand). VCF-style: chr11-124660695-T-C. GRCh37 (hg19) VCF-style: chr11-124530591-T-C.
Other names: c.233A>G, p.His78Arg (NM_001199922.2); short protein forms H78R, H113R.
Identifiers: ClinVar variation 4777101 (VCV004777101.1).

ClinVar aggregate classification (germline): Uncertain significance (1 of 4 stars; one submission).

Submission:

Labcorp Genetics (formerly Invitae), Labcorp
Classification: Uncertain significance. Last evaluated: 2025-08-05. Review status: criteria provided, single submitter. Criteria: Invitae Variant Classification Sherloc (09022015). Collection method: clinical testing. Allele origin: germline.
Comment: This sequence change replaces histidine, which is basic and polar, with arginine, which is basic and polar, at codon 113 of the SIAE protein (p.His113Arg). This variant is not present in population databases (gnomAD no frequency). This variant has not been reported in the literature in individuals affected with SIAE-related conditions. An algorithm developed to predict the effect of missense changes on protein structure and function outputs the following: PolyPhen-2: "Benign". The arginine amino acid residue is found in multiple mammalian species, which suggests that this missense change does not adversely affect protein function. In summary, the available evidence is currently insufficient to determine the role of this variant in disease. Therefore, it has been classified as a Variant of Uncertain Significance.